The following is an entry in ClinVar:

NM_001130144.3(LTBP3):c.2482G>C (p.Asp828His)

Gene: LTBP3 (latent transforming growth factor beta binding protein 3; minus strand). Cytogenetic location: 11q13.1.
Variant type: single nucleotide variant.
Coding change: c.2482G>C on transcript NM_001130144.3 (MANE Select); coding-DNA position 2482, G replaced by C.
Protein change: p.Asp828His; replaces aspartic acid 828 with histidine.
Molecular consequence: missense variant.
Genome position (GRCh38, 1-based): chr11:65,543,219, C>G on the plus strand (G>C on the coding strand, the complement: LTBP3 is on the minus strand). VCF-style: chr11-65543219-C-G. GRCh37 (hg19) VCF-style: chr11-65310690-C-G.
Other names: p.Asp828His; c.2131G>C, p.Asp711His (NM_001164266.1); c.2482G>C, p.Asp828His (NM_021070.4); c.2482G>C (NM_001130144.2); short protein forms D711H, D828H.
Identifiers: ClinVar variation 2083145 (VCV002083145.7), dbSNP rs760883878, ClinGen allele CA6100578.
Genomic context (GRCh38, chr11:65,543,219, plus strand): 5'-AGGAGCCATTGGTATTGATGCAGTCACCCCCAATGCAGGCTGCAGGGAAGTCACACTCAT[C>G]AATGTCTGTAGGGGATGGAAGGGGTGGAGAATCTCAGGGGCTGATCACCAACCCCAGCCT-3'
Protein context (NP_001123616.1, residues 818-838): SRDRSHCEDI[Asp828His]ECDFPAACIG

ClinVar aggregate classification (germline): Uncertain significance. Review status: criteria provided, multiple submitters, no conflicts (2 of 4 stars). 3 submissions from 3 submitters: Uncertain significance (3). Last evaluated 2025-11-24.

Conditions:
Brachyolmia-amelogenesis imperfecta syndrome. Also called: PLATYSPONDYLY WITH AMELOGENESIS IMPERFECTA; Tooth agenesis, selective, 6; Dental anomalies and short stature. Identifiers: Orphanet 2899, MedGen C1832594, MONDO:0011018, OMIM 601216. Disease mechanism: loss of function.
Inborn genetic diseases. Identifiers: MedGen C0950123, MeSH D030342.

Allele frequency attached by ClinVar (database versions not stated): TOPMed below 0.00001; gnomAD 0.00001; gnomAD exomes 0.00001; ExAC 0.00002.
gnomAD v4.1: 20 of 1,613,986 alleles (0.0012%); highest among the groups gnomAD compares: Admixed American, 0.005%; no homozygotes.

Submissions (3):

Labcorp Genetics (formerly Invitae), Labcorp
Classification: Uncertain significance for Brachyolmia-amelogenesis imperfecta syndrome. Last evaluated: 2025-11-24. Review status: criteria provided, single submitter. Criteria: Invitae Variant Classification Sherloc (09022015). Collection method: clinical testing. Allele origin: germline.
Comment: This sequence change replaces aspartic acid, which is acidic and polar, with histidine, which is basic and polar, at codon 828 of the LTBP3 protein (p.Asp828His). This variant is present in population databases (rs760883878, gnomAD 0.006%). This variant has not been reported in the literature in individuals affected with LTBP3-related conditions. ClinVar contains an entry for this variant (Variation ID: 2083145). An algorithm developed to predict the effect of missense changes on protein structure and function (PolyPhen-2) suggests that this variant is likely to be disruptive. In summary, the available evidence is currently insufficient to determine the role of this variant in disease. Therefore, it has been classified as a Variant of Uncertain Significance.

Mayo Clinic Laboratories, Mayo Clinic
Classification: Uncertain significance. Last evaluated: 2025-10-08. Review status: criteria provided, single submitter. Criteria: ACMG Guidelines, 2015. Collection method: clinical testing. Allele origin: germline. Observed: 1 variant allele.
Comment: PP3_moderate

Ambry Genetics
Classification: Uncertain significance for Inborn genetic diseases. Last evaluated: 2022-12-24. Review status: criteria provided, single submitter. Criteria: Ambry Variant Classification Scheme 2023. Collection method: clinical testing. Allele origin: germline.
Comment: The p.D828H variant (also known as c.2482G>C), located in coding exon 18 of the LTBP3 gene, results from a G to C substitution at nucleotide position 2482. The aspartic acid at codon 828 is replaced by histidine, an amino acid with similar properties. This amino acid position is conserved. In addition, the in silico prediction for this alteration is inconclusive. Since supporting evidence is limited at this time, the clinical significance of this alteration remains unclear.